The following is an entry in ClinVar:

NM_001098.3(ACO2):c.1038G>A (p.Lys346=)

Gene: ACO2 (aconitase 2; plus strand). Cytogenetic location: 22q13.2.
Variant type: single nucleotide variant.
Coding change: c.1038G>A on transcript NM_001098.3 (MANE Select); coding-DNA position 1038, G replaced by A.
Protein change: p.Lys346=; no amino-acid change (lysine 346 retained).
Molecular consequence: synonymous variant.
Genome position (GRCh38, 1-based): chr22:41,520,176, G>A. VCF-style: chr22-41520176-G-A. GRCh37 (hg19) VCF-style: chr22-41916180-G-A.
Identifiers: ClinVar variation 507259 (VCV000507259.19), dbSNP rs144269243, ClinGen allele CA10257556.
Genomic context (GRCh38, chr22:41,520,176, plus strand): 5'-GCTTCAAGGTTTCTTCCCTCCTCTCTTTCTTCTCCTTGCATGTTTGTTTCTTCAGCTGAA[G>A]CCACACATCAATGGGCCCTTCACCCCTGACCTGGCTCACCCTGTGGCAGAAGTGGGCAAG-3'
Protein context (NP_001089.1, residues 336-356): QLIEINLSEL[Lys346=]PHINGPFTPD

ClinVar aggregate classification (germline): Likely benign. Review status: criteria provided, multiple submitters, no conflicts (2 of 4 stars). 5 submissions from 5 submitters: Likely benign (4). 1 of the submissions does not count toward it. Last evaluated 2025-12-08.

Conditions:
ACO2-related disorder. Also called: ACO2-Related Disorders.
Optic atrophy 9 (OPA9). Identifiers: MedGen C4225384, MONDO:0014571, OMIM 616289.
Infantile cerebellar-retinal degeneration (ICRD). Identifiers: Orphanet 313850, MedGen C3281192, MONDO:0013802, OMIM 614559.

Allele frequency attached by ClinVar (database versions not stated): gnomAD exomes 0.00006 and 0.00016; ExAC 0.00016; ESP Exome Variant Server 0.00046; gnomAD 0.00050 and 0.00055; TOPMed 0.00073; 1000 Genomes Project 30x 0.00078; 1000 Genomes Project 0.00080.
gnomAD v4.1: 163 of 1,612,542 alleles (0.01%); highest among the groups gnomAD compares: African/African-American, 0.2%; no homozygotes.

Submissions (5):

Labcorp Genetics (formerly Invitae), Labcorp
Classification: Likely benign. Last evaluated: 2025-12-08. Review status: criteria provided, single submitter. Criteria: Invitae Variant Classification Sherloc (09022015). Collection method: clinical testing. Allele origin: germline.

Blueprint Genetics
Classification: Likely benign. Last evaluated: 2023-12-29. Review status: criteria provided, single submitter. Criteria: ACMG Guidelines, 2015. Collection method: clinical testing. Allele origin: germline.

Fulgent Genetics
Classification: Likely benign for Infantile cerebellar-retinal degeneration; Optic atrophy 9. Last evaluated: 2022-05-13. Review status: criteria provided, single submitter. Criteria: ACMG Guidelines, 2015. Collection method: clinical testing. Allele origin: unknown.

GeneDx
Classification: Likely benign. Last evaluated: 2020-12-17. Review status: criteria provided, single submitter. Criteria: GeneDx Variant Classification Process June 2021. Collection method: clinical testing. Allele origin: germline. Affected: yes.

PreventionGenetics, part of Exact Sciences
Classification: Likely benign for ACO2-related condition. Last evaluated: 2019-05-30. Review status: no assertion criteria provided. Collection method: clinical testing. Allele origin: germline. Not counted in ClinVar's aggregate classification.
Comment: This variant is classified as likely benign based on ACMG/AMP sequence variant interpretation guidelines (Richards et al. 2015 PMID: 25741868, with internal and published modifications).